The following is an entry in ClinVar:

ClinVar aggregate classification (germline): Uncertain significance (1 of 4 stars; one submission).

Conditions:
Cardiovascular phenotype. Identifiers: MedGen CN230736.

Allele frequency attached by ClinVar (database versions not stated): TOPMed 0.00001; ESP Exome Variant Server 0.00008.
gnomAD v4.1: 2 of 1,523,778 alleles (0.00013%); highest among the groups gnomAD compares: Non-Finnish European, 0.00018%; no homozygotes.

Submission:

Ambry Genetics
Classification: Uncertain significance for Cardiovascular phenotype. Last evaluated: 2020-05-13. Review status: criteria provided, single submitter. Criteria: Ambry Variant Classification Scheme 2023. Collection method: clinical testing. Allele origin: germline.
Comment: The p.K12887I variant (also known as c.38660A>T), located in coding exon 140 of the TTN gene, results from an A to T substitution at nucleotide position 38660. The lysine at codon 12887 is replaced by isoleucine, an amino acid with dissimilar properties. This amino acid position is well conserved in available vertebrate species. In addition, this alteration is predicted to be tolerated by in silico analysis. Since supporting evidence is limited at this time, the clinical significance of this alteration remains unclear.

NM_001267550.2(TTN):c.65855A>T (p.Lys21952Ile)

Genes: TTN (titin; minus strand), TTN-AS1 (TTN antisense RNA 1; plus strand). Cytogenetic location: 2q31.2.
Variant type: single nucleotide variant.
Coding change: c.65855A>T on transcript NM_001267550.2 (MANE Select); coding-DNA position 65855, A replaced by T.
Protein change: p.Lys21952Ile; replaces lysine 21952 with isoleucine.
Molecular consequence: missense variant.
Genome position (GRCh38, 1-based): chr2:178,582,948, T>A on the plus strand (A>T on the coding strand, the complement: TTN is on the minus strand). VCF-style: chr2-178582948-T-A. GRCh37 (hg19) VCF-style: chr2-179447675-T-A.
Other names: c.60932A>T, p.Lys20311Ile (NM_001256850.1); c.38660A>T, p.Lys12887Ile (NM_003319.4); c.58151A>T, p.Lys19384Ile (NM_133378.4); c.39035A>T, p.Lys13012Ile (NM_133432.3); c.39236A>T, p.Lys13079Ile (NM_133437.4); short protein forms K13079I, K21952I, K13012I, K20311I, K12887I, K19384I.
Identifiers: ClinVar variation 1735640 (VCV001735640.2), dbSNP rs371740766, ClinGen allele CA60960662.